The following is an entry in ClinVar:

NM_000051.4(ATM):c.8152-19A>G

Genes: ATM (ATM serine/threonine kinase; plus strand), C11orf65 (chromosome 11 open reading frame 65; minus strand). Cytogenetic location: 11q22.3.
Variant type: single nucleotide variant.
Coding change: c.8152-19A>G on transcript NM_000051.4 (MANE Select); 19 bases into the intron before coding-DNA position 8152, A replaced by G.
Molecular consequence: intron variant.
Genome position (GRCh38, 1-based): chr11:108,335,826, A>G. VCF-style: chr11-108335826-A-G. GRCh37 (hg19) VCF-style: chr11-108206553-A-G.
Other names: c.8152-19A>G (NM_001351834.2); c.641-26755T>C (NM_001330368.2); c.695-534T>C (NM_001351110.2).
Identifiers: ClinVar variation 3253899 (VCV003253899.1), dbSNP rs1452223973.

ClinVar aggregate classification (germline): Likely benign (1 of 4 stars; one submission).

Conditions:
Familial cancer of breast. Also called: hereditary breast carcinoma; BREAST CANCER, FAMILIAL; Hereditary breast cancer. Identifiers: Orphanet 227535, MedGen C0346153, MONDO:0016419, OMIM 114480. Disease mechanism: loss of function.

Allele frequency attached by ClinVar (database versions not stated): gnomAD exomes below 0.00001.
gnomAD v4.1: 2 of 1,591,444 alleles (0.00013%); highest among the groups gnomAD compares: South Asian, 0.0011%; no homozygotes.

Submission:

Myriad Genetics, Inc.
Classification: Likely benign for Familial cancer of breast. Last evaluated: 2024-06-18. Review status: criteria provided, single submitter. Criteria: Myriad Autosomal Dominant, Autosomal Recessive and X-Linked Classification Criteria (2023). Collection method: clinical testing. Allele origin: unknown.
Comment: This variant is considered likely benign. This variant is intronic and is not expected to impact mRNA splicing.